The following is an entry in ClinVar:

ClinVar aggregate classification (germline): Pathogenic (1 of 4 stars; one submission).

Conditions:
Neuromuscular disease caused by qualitative or quantitative defects of dystrophin. Also called: Qualitative or quantitative defects of dystrophin. Identifiers: Orphanet 207085, MedGen C5679787, MONDO:0016147.

Submission:

Women's Health and Genetics/Laboratory Corporation of America, LabCorp
Classification: Pathogenic for Neuromuscular disease caused by qualitative or quantitative defects of dystrophin. Last evaluated: 2022-08-29. Review status: criteria provided, single submitter. Criteria: LabCorp Variant Classification Summary - May 2015. Collection method: clinical testing. Allele origin: germline.
Comment: Variant summary: The variant identified by MLPA or other technology involves the duplication of exons 12-13 in the DMD gene. A presumed nomenclature of c.(1331+1_1332-1)_(1602+1_1603-1)dup has been designated for the purposes of this classification. It has been assumed that this is a tandem duplication in direct orientation (Richardson_GIM_2018, Newman_AJHG_2015). Although exact breakpoints of this duplication are not known, it is expected to result in a frameshift in the DMD gene. The variant was absent in 14523 control chromosomes (gnomAD database, Structural Variants dataset).The variant, c.(1331+1_1332-1)_(1602+1_1603-1)dup, has been reported in the literature in multiple individuals affected with Dystrophinopathies (e.g. White_2002, White_2006, Tuffery-Giraud_2009, Zimowski_2014, Ling_2020, Tong_2020, Nallamilli_2021). These data indicate that the variant is very likely to be associated with disease. To our knowledge, no experimental evidence demonstrating an impact on protein function has been reported. No clinical diagnostic laboratories have submitted clinical-significance assessments for this variant to ClinVar after 2014. Based on the evidence outlined above, the variant was classified as pathogenic.

Literature cited by the submitters: PubMed 15351422; PubMed 25482253; PubMed 16917894; PubMed 31705731; PubMed 12111668; PubMed 33644936; PubMed 33101180.

NC_000023.10:g.(32591964_32613873)_(32632571_32662248)dup

Gene: DMD (dystrophin; minus strand). Cytogenetic location: Xp21.1.
Variant type: Duplication.
Identifiers: ClinVar variation 1705236 (VCV001705236.1).